The following is an entry in ClinVar:

ClinVar aggregate classification (germline): Uncertain significance. Review status: criteria provided, multiple submitters, no conflicts (2 of 4 stars). 8 submissions from 8 submitters: Uncertain significance (6). 2 of the submissions do not count toward it. Last evaluated 2025-10-13.

Conditions:
PRKAR1A-related disorder. Also called: PRKAR1A-related condition.
Hereditary cancer-predisposing syndrome. Also called: Hereditary neoplastic syndrome; Neoplastic Syndromes, Hereditary; Tumor predisposition; Hereditary Cancer Syndrome. Identifiers: Orphanet 140162, MedGen C0027672, MeSH D009386, MONDO:0015356.
Acrodysostosis 1 with or without hormone resistance (ACRDYS1). Also called: ACRODYSOSTOSIS WITH HORMONE RESISTANCE; ACRODYSOSTOSIS 1 WITH HORMONE RESISTANCE; ACRODYSOSTOSIS 1 WITHOUT HORMONE RESISTANCE. Identifiers: Orphanet 280651, MedGen C3276228, MONDO:0007044, OMIM 101800.
Carney complex, type 1 (CNC1). Also called: CARNEY COMPLEX, TYPE I; CARNEY MYXOMA-ENDOCRINE COMPLEX. Identifiers: Orphanet 1359, MedGen C2607929, MONDO:0008057, OMIM 160980.
Carney complex. Also called: LAMB SYNDROME; MYXOMA, SPOTTY PIGMENTATION, AND ENDOCRINE OVERACTIVITY; NAME SYNDROME; CARNEY SYNDROME. Identifiers: Orphanet 1359, MedGen C0406810, MONDO:0015285.

Allele frequency attached by ClinVar (database versions not stated): gnomAD exomes 0.00001; gnomAD 0.00002; TOPMed 0.00003.
gnomAD v4.1: 54 of 1,613,940 alleles (0.0033%); highest among the groups gnomAD compares: African/African-American, 0.0053%; no homozygotes.

Submissions (8):

Labcorp Genetics (formerly Invitae), Labcorp
Classification: Uncertain significance for Carney complex, type 1. Last evaluated: 2025-10-13. Review status: criteria provided, single submitter. Criteria: Invitae Variant Classification Sherloc (09022015). Collection method: clinical testing. Allele origin: germline.
Comment: This sequence change replaces arginine, which is basic and polar, with cysteine, which is neutral and slightly polar, at codon 74 of the PRKAR1A protein (p.Arg74Cys). This variant is present in population databases (rs137853303, gnomAD 0.01%). This missense change has been observed in individual(s) with Carney complex (PMID: 15371594). It has also been observed to segregate with disease in related individuals. ClinVar contains an entry for this variant (Variation ID: 12674). Invitae Evidence Modeling of protein sequence and biophysical properties (such as structural, functional, and spatial information, amino acid conservation, physicochemical variation, residue mobility, and thermodynamic stability) indicates that this missense variant is not expected to disrupt PRKAR1A protein function with a negative predictive value of 95%. Experimental studies are conflicting or provide insufficient evidence to determine the effect of this variant on PRKAR1A function (PMID: 15371594, 18241045). In summary, the available evidence is currently insufficient to determine the role of this variant in disease. Therefore, it has been classified as a Variant of Uncertain Significance.

Ambry Genetics
Classification: Uncertain significance for Hereditary cancer-predisposing syndrome. Last evaluated: 2025-09-09. Review status: criteria provided, single submitter. Criteria: Ambry Variant Classification Scheme 2023. Collection method: clinical testing. Allele origin: germline.
Comment: The p.R74C variant (also known as c.220C>T), located in coding exon 2 of the PRKAR1A gene, results from a C to T substitution at nucleotide position 220. The arginine at codon 74 is replaced by cysteine, an amino acid with highly dissimilar properties. Functional studies were also performed to measure basal as well as cAMP-stimulated protein kinase A (PKA) activity in lymphoblasts from this proband and in an in vitro luciferase-reporter assay. Results demonstrated activity levels for this variant were not significantly different than those for wild type PRKAR1A (Veugelers M et al. Proc. Natl. Acad. Sci. U.S.A., 2004 Sep;101:14222-7). In another functional study, this variant was reported to be associated with increased PKA activity and increased PKA-specific activation in assays performed in vitro. Furthermore, the PRKAR1A RI&alpha; regulatory subunit, which harbors p.R74C, demonstrated reduced binding with both cAMP and the PRKAR1A C&alpha; catalytic subunit (Greene EL et al. Hum. Mutat., 2008 May;29:633-9). This variant was also identified in an exome cohort, but the clinical history of the proband was not provided (Amendola LM et al. Genome Res., 2015 Mar;25:305-15). Based on an internal structural assessment, this alteration results in loss of a predicted phosphorylation motif ([RK]..[ST]) that may be necessary for the functionally confirmed phosphorylation of Ser77 (Han YS et al. Arch. Biochem. Biophys., 2013 Oct;538:25-33). This amino acid position is well conserved in available vertebrate species. In addition, this alteration is predicted to be deleterious by in silico analysis. Since supporting evidence is limited at this time, the clinical significance of this alteration remains unclear.

Baylor Genetics
Classification: Uncertain significance for Acrodysostosis 1 with or without hormone resistance. Last evaluated: 2023-12-04. Review status: criteria provided, single submitter. Criteria: ACMG Guidelines, 2015. Collection method: clinical testing. Allele origin: unknown.

PreventionGenetics, part of Exact Sciences
Classification: Uncertain significance for PRKAR1A-related condition. Last evaluated: 2023-04-18. Review status: criteria provided, single submitter. Criteria: ACMG Guidelines, 2015. Collection method: clinical testing. Allele origin: germline.
Comment: The PRKAR1A c.220C>T variant is predicted to result in the amino acid substitution p.Arg74Cys. This variant was reported to segregate in a family with Carney complex (Figure S5, Veugelers et al. 2004. PubMed ID: 15371594). Functional studies using patient-derived lymphoblastoid cell lines showed that this variant does not significantly alter basal or cAMP-stimulated protein kinase A (PKA) activity (Veugelers et al. 2004. PubMed ID: 15371594). However, a different study showed that this variant leads to decreased binding to cAMP and increased PKA activity (Greene et al. 2008. PubMed ID: 18241045). This variant is reported in 0.012% of alleles in individuals of African descent in gnomAD. At this time, the clinical significance of this variant is uncertain due to the absence of conclusive functional and genetic evidence.

GeneDx
Classification: Uncertain significance. Last evaluated: 2023-02-14. Review status: criteria provided, single submitter. Criteria: GeneDx Variant Classification Process June 2021. Collection method: clinical testing. Allele origin: germline. Affected: yes.
Comment: Not observed at significant frequency in large population cohorts (gnomAD); In silico analysis supports that this missense variant does not alter protein structure/function; Published functional studies are conflicting: one study demonstrates protein expression levels and protein kinase A (PKA) activity similar to wildtype, while another shows increased PKA activity possibly due to decreased binding of cAMP (Veugelers et al., 2004; Greene et al., 2008); This variant is associated with the following publications: (PMID: 26130139, 23942052, 21111774, 20358582, 15992699, 19650827, 21115159, 29264456, 22112814, 15371594, 18241045, 25637381, 18760947, 16491075)

Sema4
Classification: Uncertain significance for Hereditary cancer-predisposing syndrome. Last evaluated: 2021-06-03. Review status: criteria provided, single submitter. Criteria: Sema4 Curation Guidelines. Collection method: curation. Allele origin: germline.
Comment: The PRKAR1A c.220C>T (p.R74C) variant has been reported in at least one individual diagnosed with Carney Complex (PMID: 15371594). Functional studies of lymphoblasts from this patient suggest that this variant does not impact protein expression or activity (PMID: 15371594). However, another functional study found significantly increased PKA activity levels and decreased binding to cAMP (PMID: 18241045). It was observed in 2/16256 chromosomes of the African/African American subpopulation in the large and broad cohorts of the Genome Aggregation Database (PMID: 32461654). The variant has been reported in ClinVar (Variation ID: 12674). In silico tools suggest the impact of the variant on protein function is inconclusive. The evidence is insufficient to meet ACMG/AMP criteria for classifying the variant as benign or pathogenic. Thus, the clinical significance of this variant is currently uncertain.

CSER _CC_NCGL, University of Washington
Classification: Uncertain significance for Carney complex. Last evaluated: 2014-06-01. Review status: no assertion criteria provided. Collection method: research. Allele origin: germline. Inheritance: Autosomal dominant inheritance. Study: ESP 6500 variant annotation. Not counted in ClinVar's aggregate classification.
Comment: Variants classified for the Actionable exomic incidental findings in 6503 participants: challenges of variant classification manuscript

OMIM
Classification: Pathogenic for CARNEY COMPLEX, TYPE 1. Last evaluated: 2008-05-01. Review status: no assertion criteria provided. Collection method: literature only. Allele origin: germline. Not counted in ClinVar's aggregate classification.

Literature cited by the submitters: PubMed 15371594 (cited by 4 submitters); PubMed 18241045 (cited by 4 submitters); PubMed 23942052 (cited by Ambry Genetics); PubMed 25637381 (cited by Ambry Genetics).

NM_002734.5(PRKAR1A):c.220C>T (p.Arg74Cys)

Gene: PRKAR1A (protein kinase cAMP-dependent type I regulatory subunit alpha; plus strand). Cytogenetic location: 17q24.2.
Variant type: single nucleotide variant.
Coding change: c.220C>T on transcript NM_002734.5 (MANE Select); coding-DNA position 220, C replaced by T.
Protein change: p.Arg74Cys; replaces arginine 74 with cysteine.
Molecular consequence: missense variant.
Genome position (GRCh38, 1-based): chr17:68,522,798, C>T. VCF-style: chr17-68522798-C-T. GRCh37 (hg19) VCF-style: chr17-66518939-C-T.
Other names: c.220C>T, p.Arg74Cys (NM_001276289.2, NM_001276290.1, NM_001278433.2 and 4 more transcripts); short protein forms R74C.
Identifiers: ClinVar variation 12674 (VCV000012674.22), dbSNP rs137853303, ClinGen allele CA256533.